The following is an entry in ClinVar:

NM_022168.4(IFIH1):c.2454+4C>A

Gene: IFIH1 (interferon induced with helicase C domain 1; minus strand). Cytogenetic location: 2q24.2.
Variant type: single nucleotide variant.
Coding change: c.2454+4C>A on transcript NM_022168.4 (MANE Select); 4 bases into the intron after coding-DNA position 2454, C replaced by A.
Molecular consequence: intron variant.
Genome position (GRCh38, 1-based): chr2:162,273,791, G>T on the plus strand (C>A on the coding strand, the complement: IFIH1 is on the minus strand). VCF-style: chr2-162273791-G-T. GRCh37 (hg19) VCF-style: chr2-163130301-G-T.
Identifiers: ClinVar variation 2130670 (VCV002130670.4), dbSNP rs886038669, ClinGen allele CA2580064183.

ClinVar aggregate classification (germline): Uncertain significance (1 of 4 stars; one submission).

Conditions:
Singleton-Merten syndrome 1 (SGMRT1). Also called: Widened medullary cavities of bone, aortic calcification, abnormal dentition, and muscular weakness; Syndrome of widened medullary cavities of the metacarpals and phalanges, aortic calcification and abnormal dentition. Identifiers: Orphanet 85191, MedGen C4225427, MONDO:0024535, OMIM 182250.
Aicardi-Goutieres syndrome 7 (AGS7). Identifiers: Orphanet 51, MedGen C3888244, MONDO:0014367, OMIM 615846.

Submission:

Labcorp Genetics (formerly Invitae), Labcorp
Classification: Uncertain significance for Aicardi-Goutieres syndrome 7; Singleton-Merten syndrome 1. Last evaluated: 2022-04-25. Review status: criteria provided, single submitter. Criteria: Invitae Variant Classification Sherloc (09022015). Collection method: clinical testing. Allele origin: germline.
Comment: This variant has not been reported in the literature in individuals affected with IFIH1-related conditions. This sequence change falls in intron 12 of the IFIH1 gene. It does not directly change the encoded amino acid sequence of the IFIH1 protein. It affects a nucleotide within the consensus splice site. This variant is not present in population databases (gnomAD no frequency). Variants that disrupt the consensus splice site are a relatively common cause of aberrant splicing (PMID: 17576681, 9536098). Algorithms developed to predict the effect of sequence changes on RNA splicing suggest that this variant is not likely to affect RNA splicing. In summary, the available evidence is currently insufficient to determine the role of this variant in disease. Therefore, it has been classified as a Variant of Uncertain Significance.

Literature cited by the submitters: PubMed 17576681; PubMed 9536098.